The following is an entry in ClinVar:

ClinVar aggregate classification (germline): Uncertain significance. Review status: criteria provided, single submitter (1 of 4 stars). 2 submissions from 2 submitters: Uncertain significance (1). 1 of the submissions does not count toward it. Last evaluated 2022-04-23.

Conditions:
Wolff-Parkinson-White pattern. Also called: WPW SYNDROME; Auriculoventricular accessory pathway syndrome; False bundle branch block syndrome; Anomalous ventricular excitation syndrome. Identifiers: MedGen C0043202, MONDO:0008685, OMIM 194200, HP:0001716.

Submissions (2):

Labcorp Genetics (formerly Invitae), Labcorp
Classification: Uncertain significance. Last evaluated: 2022-04-23. Review status: criteria provided, single submitter. Criteria: Invitae Variant Classification Sherloc (09022015). Collection method: clinical testing. Allele origin: germline.
Comment: This variant has not been reported in the literature in individuals affected with CACNA1E-related conditions. This sequence change creates a premature translational stop signal (p.Gln2174*) in the CACNA1E gene. While this is not anticipated to result in nonsense mediated decay, it is expected to disrupt the last 97 amino acid(s) of the CACNA1E protein. This variant is not present in population databases (gnomAD no frequency). ClinVar contains an entry for this variant (Variation ID: 487600). Experimental studies and prediction algorithms are not available or were not evaluated, and the functional significance of this variant is currently unknown. In summary, the available evidence is currently insufficient to determine the role of this variant in disease. Therefore, it has been classified as a Variant of Uncertain Significance.

Lupski Lab, Baylor-Hopkins CMG, Baylor College of Medicine
Classification: Uncertain significance for Wolff-Parkinson-White pattern. Last evaluated: 2017-07-14. Review status: no assertion criteria provided. Collection method: research. Allele origin: de novo. Affected: yes. Observed: 1 variant allele. Study: Candidate_variants_in_patients_with_ Wolff-Parkinson-White Syndrome. Not counted in ClinVar's aggregate classification.

NM_001205293.3(CACNA1E):c.6649C>T (p.Gln2217Ter)

Gene: CACNA1E (calcium voltage-gated channel subunit alpha1 E; plus strand). Cytogenetic location: 1q25.3.
Variant type: single nucleotide variant.
Coding change: c.6649C>T on transcript NM_001205293.3 (MANE Select); coding-DNA position 6649, C replaced by T.
Protein change: p.Gln2217Ter; replaces glutamine 2217 with a stop codon.
Molecular consequence: nonsense.
Genome position (GRCh38, 1-based): chr1:181,798,541, C>T. VCF-style: chr1-181798541-C-T. GRCh37 (hg19) VCF-style: chr1-181767677-C-T.
Other names: c.6520C>T, p.Gln2174Ter (NM_000721.4); c.6463C>T, p.Gln2155Ter (NM_001205294.2); short protein forms Q2174*, Q2217*, Q2155*.
Identifiers: ClinVar variation 487600 (VCV000487600.6), dbSNP rs766235230, ClinGen allele CA343845218.